The following is an entry in ClinVar:

NM_015909.4(NBAS):c.7047C>T (p.Ala2349=)

Gene: NBAS (NBAS subunit of NRZ tethering complex; minus strand). Cytogenetic location: 2p24.3.
Variant type: single nucleotide variant.
Coding change: c.7047C>T on transcript NM_015909.4 (MANE Select); coding-DNA position 7047, C replaced by T.
Protein change: p.Ala2349=; no amino-acid change (alanine 2349 retained).
Molecular consequence: synonymous variant. On other transcripts: non-coding transcript variant (1).
Genome position (GRCh38, 1-based): chr2:15,167,117, G>A on the plus strand (C>T on the coding strand, the complement: NBAS is on the minus strand). VCF-style: chr2-15167117-G-A. GRCh37 (hg19) VCF-style: chr2-15307241-G-A.
Other names: c.7047C>T (NM_015909.3).
Identifiers: ClinVar variation 1621607 (VCV001621607.10), dbSNP rs367886048, ClinGen allele CA1534781.

ClinVar aggregate classification (germline): Likely benign. Review status: criteria provided, multiple submitters, no conflicts (2 of 4 stars). 2 submissions from 2 submitters: Likely benign (2). Last evaluated 2026-08-12.

Conditions:
NBAS-related disorder. Also called: NBAS-related condition.

Allele frequency attached by ClinVar (database versions not stated): ExAC 0.00006; gnomAD 0.00008 and 0.00009; TOPMed 0.00008; ESP Exome Variant Server 0.00015; 1000 Genomes Project 30x 0.00016; 1000 Genomes Project 0.00020.
gnomAD v4.1: 87 of 1,613,980 alleles (0.0054%); highest among the groups gnomAD compares: African/African-American, 0.032%; no homozygotes.

Submissions (2):

PreventionGenetics, part of Exact Sciences
Classification: Likely benign for NBAS-related condition. Last evaluated: 2026-08-12. Review status: criteria provided, single submitter. Criteria: ACMG Guidelines, 2015. Collection method: clinical testing. Allele origin: germline.
Comment: This variant is classified as likely benign based on ACMG/AMP sequence variant interpretation guidelines (Richards et al. 2015 PMID: 25741868, with internal and published modifications).

Labcorp Genetics (formerly Invitae), Labcorp
Classification: Likely benign. Last evaluated: 2025-12-15. Review status: criteria provided, single submitter. Criteria: Invitae Variant Classification Sherloc (09022015). Collection method: clinical testing. Allele origin: germline.